The following is an entry in ClinVar:

NM_000918.4(P4HB):c.283G>C (p.Gly95Arg)

Gene: P4HB (prolyl 4-hydroxylase subunit beta; minus strand). Cytogenetic location: 17q25.3.
Variant type: single nucleotide variant.
Coding change: c.283G>C on transcript NM_000918.4 (MANE Select); coding-DNA position 283, G replaced by C.
Protein change: p.Gly95Arg; replaces glycine 95 with arginine.
Molecular consequence: missense variant.
Genome position (GRCh38, 1-based): chr17:81,859,250, C>G on the plus strand (G>C on the coding strand, the complement: P4HB is on the minus strand). VCF-style: chr17-81859250-C-G. GRCh37 (hg19) VCF-style: chr17-79817126-C-G.
Other names: short protein forms G95R.
Identifiers: ClinVar variation 1975535 (VCV001975535.5), dbSNP rs976921941, ClinGen allele CA401517874.

ClinVar aggregate classification (germline): Uncertain significance (1 of 4 stars; one submission).

gnomAD v4.1: 2 of 1,614,030 alleles (0.00012%); highest among the groups gnomAD compares: Admixed American, 0.0017%; no homozygotes.

Submission:

Labcorp Genetics (formerly Invitae), Labcorp
Classification: Uncertain significance. Last evaluated: 2022-09-19. Review status: criteria provided, single submitter. Criteria: Invitae Variant Classification Sherloc (09022015). Collection method: clinical testing. Allele origin: germline.
Comment: This sequence change replaces glycine, which is neutral and non-polar, with arginine, which is basic and polar, at codon 95 of the P4HB protein (p.Gly95Arg). This variant is present in population databases (no rsID available, gnomAD 0.003%). This variant has not been reported in the literature in individuals affected with P4HB-related conditions. Advanced modeling of protein sequence and biophysical properties (such as structural, functional, and spatial information, amino acid conservation, physicochemical variation, residue mobility, and thermodynamic stability) performed at Invitae indicates that this missense variant is not expected to disrupt P4HB protein function. In summary, the available evidence is currently insufficient to determine the role of this variant in disease. Therefore, it has been classified as a Variant of Uncertain Significance.